The following is an entry in ClinVar:

ClinVar aggregate classification (germline): Conflicting classifications of pathogenicity. Review status: criteria provided, conflicting classifications (1 of 4 stars). 2 submissions from 2 submitters: Uncertain significance (1); Likely benign (1). Last evaluated 2021-06-22.

Conditions:
Hereditary cancer-predisposing syndrome. Also called: Neoplastic Syndromes, Hereditary; Tumor predisposition; Hereditary neoplastic syndrome; Hereditary Cancer Syndrome. Identifiers: Orphanet 140162, MedGen C0027672, MeSH D009386, MONDO:0015356.
Familial adenomatous polyposis 1 (FAP1). Also called: POLYPOSIS, ADENOMATOUS INTESTINAL; FAMILIAL ADENOMATOUS POLYPOSIS 1, ATTENUATED. Identifiers: MedGen C2713442, MONDO:0021056, OMIM 175100. Disease mechanism: loss of function.

Submissions (2):

Labcorp Genetics (formerly Invitae), Labcorp
Classification: Uncertain significance for Familial adenomatous polyposis 1. Last evaluated: 2021-06-22. Review status: criteria provided, single submitter. Criteria: Invitae Variant Classification Sherloc (09022015). Collection method: clinical testing. Allele origin: germline.
Comment: Algorithms developed to predict the effect of sequence changes on RNA splicing suggest that this variant may create or strengthen a splice site, but this prediction has not been confirmed by published transcriptional studies. In summary, the available evidence is currently insufficient to determine the role of this variant in disease. Therefore, it has been classified as a Variant of Uncertain Significance. Algorithms developed to predict the effect of missense changes on protein structure and function output the following: SIFT: "Tolerated"; PolyPhen-2: "Benign"; Align-GVGD: "Class C0". The valine amino acid residue is found in multiple mammalian species, suggesting that this missense change does not adversely affect protein function. These predictions have not been confirmed by published functional studies and their clinical significance is uncertain. This sequence change replaces alanine with valine at codon 1457 of the APC protein (p.Ala1457Val). The alanine residue is weakly conserved and there is a small physicochemical difference between alanine and valine. This variant is not present in population databases (ExAC no frequency). This variant has not been reported in the literature in individuals with APC-related conditions. ClinVar contains an entry for this variant (Variation ID: 824838).

Ambry Genetics
Classification: Likely benign for Hereditary cancer-predisposing syndrome. Last evaluated: 2019-09-18. Review status: criteria provided, single submitter. Criteria: Ambry Variant Classification Scheme 2023. Collection method: clinical testing. Allele origin: germline.

NM_000038.6(APC):c.4370C>T (p.Ala1457Val)

Gene: APC (APC regulator of Wnt signaling pathway; plus strand). Cytogenetic location: 5q22.2.
Variant type: single nucleotide variant.
Coding change: c.4370C>T on transcript NM_000038.6 (MANE Select); coding-DNA position 4370, C replaced by T.
Protein change: p.Ala1457Val; replaces alanine 1457 with valine.
Molecular consequence: missense variant.
Genome position (GRCh38, 1-based): chr5:112,839,964, C>T. VCF-style: chr5-112839964-C-T. GRCh37 (hg19) VCF-style: chr5-112175661-C-T.
Other names: c.4370C>T, p.Ala1457Val (NM_001127510.3, NM_001354895.2); c.4316C>T, p.Ala1439Val (NM_001127511.3); c.4424C>T, p.Ala1475Val (NM_001354896.2); c.4400C>T, p.Ala1467Val (NM_001354897.2); c.4295C>T, p.Ala1432Val (NM_001354898.2); c.4286C>T, p.Ala1429Val (NM_001354899.2); c.4247C>T, p.Ala1416Val (NM_001354900.2); c.4193C>T, p.Ala1398Val (NM_001354901.2); and 5 more; short protein forms A1174V, A1356V, A1432V, A1439V, A1467V, A1297V, A1331V, A1366V.
Identifiers: ClinVar variation 824838 (VCV000824838.12), dbSNP rs1580647237, ClinGen allele CA16030904.